The following is an entry in ClinVar:

ClinVar aggregate classification (germline): Uncertain significance. Review status: criteria provided, multiple submitters, no conflicts (2 of 4 stars). 2 submissions from 2 submitters: Uncertain significance (2). Last evaluated 2025-01-13.

Conditions:
Inborn genetic diseases. Identifiers: MedGen C0950123, MeSH D030342.
Fanconi anemia complementation group G. Also called: FANCG-Related Fanconi Anemia; Fanconi anemia group G. Identifiers: Orphanet 84, MedGen C3469527, MONDO:0013565, OMIM 614082.

Submissions (2):

Ambry Genetics
Classification: Uncertain significance for Inborn genetic diseases. Last evaluated: 2025-01-13. Review status: criteria provided, single submitter. Criteria: Ambry Variant Classification Scheme 2023. Collection method: clinical testing. Allele origin: germline.
Comment: The p.A468S variant (also known as c.1402G>T), located in coding exon 10 of the FANCG gene, results from a G to T substitution at nucleotide position 1402. The alanine at codon 468 is replaced by serine, an amino acid with similar properties. This amino acid position is conserved. In addition, this alteration is predicted to be tolerated by in silico analysis. Based on the available evidence, the clinical significance of this variant remains unclear.

Fulgent Genetics
Classification: Uncertain significance for Fanconi anemia complementation group G. Last evaluated: 2024-06-17. Review status: criteria provided, single submitter. Criteria: ACMG Guidelines, 2015. Collection method: clinical testing. Allele origin: germline.

NM_004629.2(FANCG):c.1402G>T (p.Ala468Ser)

Gene: FANCG (FA complementation group G; minus strand). Cytogenetic location: 9p13.3.
Variant type: single nucleotide variant.
Coding change: c.1402G>T on transcript NM_004629.2 (MANE Select); coding-DNA position 1402, G replaced by T.
Protein change: p.Ala468Ser; replaces alanine 468 with serine.
Molecular consequence: missense variant.
Genome position (GRCh38, 1-based): chr9:35,075,496, C>A on the plus strand (G>T on the coding strand, the complement: FANCG is on the minus strand). VCF-style: chr9-35075496-C-A. GRCh37 (hg19) VCF-style: chr9-35075493-C-A.
Other names: short protein forms A468S.
Identifiers: ClinVar variation 3597278 (VCV003597278.2).